The following is an entry in ClinVar:

ClinVar aggregate classification (germline): Conflicting classifications of pathogenicity. Review status: criteria provided, conflicting classifications (1 of 4 stars). 11 submissions from 11 submitters: Uncertain significance (8); Likely benign (3). Last evaluated 2026-03-30.

Conditions:
Multiple endocrine neoplasia type 2A. Also called: MULTIPLE ENDOCRINE NEOPLASIA, TYPE IIA; PTC SYNDROME; SIPPLE SYNDROME; MEN 2A; MEN-2A syndrome; Pheochromocytoma and amyloid producing medullary thyroid carcinoma. Identifiers: Orphanet 247698, Orphanet 653, MedGen C0025268, MeSH D018813, MONDO:0008234, OMIM 171400.
Pheochromocytoma. Also called: MAX-Related Hereditary Paraganglioma-Pheochromocytoma Syndrome. Identifiers: Orphanet 29072, MedGen C0031511, MONDO:0008233, OMIM 171300, HP:0002666.
Familial medullary thyroid carcinoma (MTC). Also called: Thyroid cancer, familial medullary; MTC, familial; Familial Medullary Thyroid Carcinoma (FMTC). Identifiers: Orphanet 653, Orphanet 99361, MedGen C1833921, MONDO:0007958, OMIM 155240.
Multiple endocrine neoplasia type 2B. Also called: MEN 2B; Multiple endocrine neoplasia, type 3; MULTIPLE ENDOCRINE NEOPLASIA, TYPE IIB; MUCOSAL NEUROMA SYNDROME; NEUROMATA, MUCOSAL, WITH ENDOCRINE TUMORS; WAGENMANN-FROBOESE SYNDROME. Identifiers: Orphanet 247709, Orphanet 653, MedGen C0025269, MeSH D018814, MONDO:0008082, OMIM 162300.
Hirschsprung disease, susceptibility to, 1 (HSCR1). Also called: RET-Related Hirschsprung Disease. Identifiers: Orphanet 388, MedGen C3888239, MONDO:0007723, OMIM 142623.
RET-related disorder. Also called: RET-related condition; RET-related disease; RET-related disorders.
Hereditary cancer-predisposing syndrome. Also called: Neoplastic Syndromes, Hereditary; Tumor predisposition; Hereditary neoplastic syndrome; Hereditary Cancer Syndrome. Identifiers: Orphanet 140162, MedGen C0027672, MeSH D009386, MONDO:0015356.
Multiple endocrine neoplasia, type 2 (MEN2). Identifiers: Orphanet 653, MedGen C4048306, MONDO:0019003. Disease mechanism: gain of function.

Allele frequency attached by ClinVar (database versions not stated): TOPMed 0.00004; ExAC 0.00006; gnomAD 0.00004.
gnomAD v4.1: 22 of 1,606,784 alleles (0.0014%); highest among the groups gnomAD compares: East Asian, 0.013%; no homozygotes.

Submissions (11):

PreventionGenetics, part of Exact Sciences
Classification: Uncertain significance for RET-related condition. Last evaluated: 2026-03-30. Review status: criteria provided, single submitter. Criteria: ACMG Guidelines, 2015. Collection method: clinical testing. Allele origin: germline.
Comment: The RET c.1891G>A variant is predicted to result in the amino acid substitution p.Asp631Asn. This variant was reported in individuals with medullary thyroid cancer (Giacché et al. 2019. PubMed ID: 30927507 and Jensson et al. 2023. PubMed ID: 37937776), and in a cohort of patients undergoing germline diagnostic testing due to a high personal and/or family risk for cancer (de Oliveira et al. 2022. PubMed ID: 35534704). This variant is reported in 0.035% of alleles in individuals of East Asian descent in gnomAD and has conflicting interpretations in ClinVar ranging from likely benign to uncertain (Variation ID: 24913). Functional studies suggest that this variant does not impact RET protein function (Asai et al. 1999. PubMed ID: 10049754). Although we suspect that this variant may be benign, at this time, the clinical significance of this variant is uncertain due to the absence of conclusive functional and genetic evidence.

Labcorp Genetics (formerly Invitae), Labcorp
Classification: Uncertain significance for Multiple endocrine neoplasia, type 2. Last evaluated: 2025-12-10. Review status: criteria provided, single submitter. Criteria: Invitae Variant Classification Sherloc (09022015). Collection method: clinical testing. Allele origin: germline.
Comment: This sequence change replaces aspartic acid, which is acidic and polar, with asparagine, which is neutral and polar, at codon 631 of the RET protein (p.Asp631Asn). This variant is present in population databases (rs377767406, gnomAD 0.03%). This missense change has been observed in individual(s) with RET-related conditions (PMID: 30927507, 35534704). ClinVar contains an entry for this variant (Variation ID: 24913). An algorithm developed to predict the effect of missense changes on protein structure and function (PolyPhen-2) suggests that this variant is likely to be tolerated. Experimental studies have shown that this missense change does not substantially affect RET function (PMID: 10049754). This variant disrupts the p.Asp631 amino acid residue in RET. Other variant(s) that disrupt this residue have been determined to be pathogenic (PMID: 10049754, 16839264, 22274720). This suggests that this residue is clinically significant, and that variants that disrupt this residue are likely to be disease-causing. In summary, the available evidence is currently insufficient to determine the role of this variant in disease. Therefore, it has been classified as a Variant of Uncertain Significance.

GeneDx
Classification: Uncertain significance. Last evaluated: 2025-10-06. Review status: criteria provided, single submitter. Criteria: GeneDx Variant Classification Process June 2021. Collection method: clinical testing. Allele origin: germline. Affected: yes.
Comment: In silico analysis suggests that this missense variant does not alter protein structure/function; Published functional studies demonstrate absent transforming activity and no independent dimerization (PMID: 10049754); Has not been previously published in association with RET-related disorders to our knowledge; This variant is associated with the following publications: (PMID: 23264394, 26639839, 21479187, 25810047, 30927507, 35534704, 10049754, 14633923, 37937776)

ARUP Laboratories, Molecular Genetics and Genomics, ARUP Laboratories
Classification: Uncertain significance. Last evaluated: 2025-07-07. Review status: criteria provided, single submitter. Criteria: ARUP Molecular Germline Variant Investigation Process 2024. Collection method: clinical testing. Allele origin: germline.
Comment: The RET c.1891G>A; p.Asp631Asn variant (rs377767406, ClinVar Variation ID: 24913) is reported in the literature in two related individuals with medullary thyroid cancer (Giacche 2012). Additionally, the p.Asp631Tyr variant has been reported in multiple individuals affected with multiple endocrine neoplasia type 2A (MEN2A; Elston 2012, Lee 2022). The Asp631Asn variant is found in the general population with an allele frequency of 0.005% (13/278248 alleles) in the Genome Aggregation Database (v2.1.1). Computational analyses are uncertain whether this variant is neutral or deleterious (REVEL: 0.35). Functional analyses demonstrate that the Asp631Asn variant does not result in ligand-independent dimerization of RET like the Asp631Tyr variant (Asai 1999). Due to limited information, the clinical significance of the Asp631Asn variant is uncertain at this time. References: Asai N et al. Mechanism of Ret activation by a mutation at aspartic acid 631 identified in sporadic pheochromocytoma. Biochem Biophys Res Commun. 1999 Feb 24;255(3):587-90. PMID: 10049754. Elston MS et al. Patients with RET D631Y mutations most commonly present with pheochromocytoma and not medullary thyroid carcinoma. Horm Metab Res. 2012 May;44(5):339-42. Jan 24. PMID: 22274720. Giacche M et al. p.Ser891Ala RET gene mutations in medullary thyroid cancer: Phenotypical and genealogical characterization of 28 apparently unrelated kindreds and founder effect uncovering in Northern Italy. Hum Mutat. 2019 Jul;40(7):926-937. PMID: 30927507. Lee JY et al. Clinical features and signaling effects of RET D631Y variant multiple endocrine neoplasia type 2 (MEN2). Korean J Intern Med. 2022 Mar;37(2):398-410. PMID: 34905813.

Color Diagnostics, LLC DBA Color Health
Classification: Likely benign for Multiple endocrine neoplasia, type 2. Last evaluated: 2025-06-24. Review status: criteria provided, single submitter. Criteria: ACMG Guidelines, 2015. Collection method: clinical testing. Allele origin: germline.

Myriad Genetics, Inc.
Classification: Likely benign for Multiple endocrine neoplasia type 2A. Last evaluated: 2024-08-09. Review status: criteria provided, single submitter. Criteria: Myriad Autosomal Dominant, Autosomal Recessive and X-Linked Classification Criteria (2023). Collection method: clinical testing. Allele origin: unknown.
Comment: This variant is considered likely benign. This variant has been observed at a population frequency that is significantly greater than expected given the associated disease prevalence and penetrance.

St. Jude Molecular Pathology, St. Jude Children's Research Hospital
Classification: Uncertain significance for Multiple endocrine neoplasia type 2A. Last evaluated: 2024-03-15. Review status: criteria provided, single submitter. Criteria: St. Jude Assertion Criteria 2020. Collection method: clinical testing. Allele origin: germline.
Comment: The RET c.1891G>A (p.Asp631Asn) missense change has a maximum subpopulation frequency of 0.04% in gnomAD v2.1.1. The in silico tool REVEL is inconclusive about a pathogenic or benign effect of this variant on protein function. This variant has been reported in the literature in an individual with medullary thyroid cancer (PMID: 30927507). In summary, the evidence currently available is insufficient to determine the clinical significance of this variant. It has therefore been classified as of uncertain significance.

Baylor Genetics
Classification: Uncertain significance for Hirschsprung disease, susceptibility to, 1. Last evaluated: 2023-06-22. Review status: criteria provided, single submitter. Criteria: ACMG Guidelines, 2015. Collection method: clinical testing. Allele origin: unknown.

Fulgent Genetics
Classification: Uncertain significance for Hirschsprung disease, susceptibility to, 1; Familial medullary thyroid carcinoma; Multiple endocrine neoplasia type 2B; Pheochromocytoma; Multiple endocrine neoplasia type 2A. Last evaluated: 2022-04-27. Review status: criteria provided, single submitter. Criteria: ACMG Guidelines, 2015. Collection method: clinical testing. Allele origin: unknown.

Ambry Genetics
Classification: Likely benign for Hereditary cancer-predisposing syndrome. Last evaluated: 2021-11-29. Review status: criteria provided, single submitter. Criteria: Ambry Variant Classification Scheme 2023. Collection method: clinical testing. Allele origin: germline.

Genetic Services Laboratory, University of Chicago
Classification: Uncertain significance. Last evaluated: 2019-09-25. Review status: criteria provided, single submitter. Criteria: ACMG Guidelines, 2015. Collection method: clinical testing. Allele origin: germline. Affected: no.

Literature cited by the submitters: PubMed 30927507 (cited by Labcorp Genetics (formerly Invitae), Labcorp and Ambry Genetics); PubMed 35534704 (cited by Labcorp Genetics (formerly Invitae), Labcorp); PubMed 10049754 (cited by Labcorp Genetics (formerly Invitae), Labcorp and Ambry Genetics); PubMed 16839264 (cited by Labcorp Genetics (formerly Invitae), Labcorp); PubMed 22274720 (cited by Labcorp Genetics (formerly Invitae), Labcorp); PubMed 25810047 (cited by Ambry Genetics).

NM_020975.6(RET):c.1891G>A (p.Asp631Asn)

Gene: RET (ret proto-oncogene; plus strand). Cytogenetic location: 10q11.21.
Variant type: single nucleotide variant.
Coding change: c.1891G>A on transcript NM_020975.6 (MANE Select); coding-DNA position 1891, G replaced by A.
Protein change: p.Asp631Asn; replaces aspartic acid 631 with asparagine.
Molecular consequence: missense variant.
Genome position (GRCh38, 1-based): chr10:43,114,491, G>A. VCF-style: chr10-43114491-G-A. GRCh37 (hg19) VCF-style: chr10-43609939-G-A.
Other names: c.1891G>A, p.Asp631Asn (NM_000323.2, NM_001406743.1, NM_020629.2 and 4 more transcripts); c.1129G>A, p.Asp377Asn (NM_001355216.2); c.1453G>A, p.Asp485Asn (NM_001406771.1, NM_001406773.1); c.1495G>A, p.Asp499Asn (NM_001406772.1, NM_001406769.1); c.1366G>A, p.Asp456Asn (NM_001406774.1); c.1165G>A, p.Asp389Asn (NM_001406775.1, NM_001406776.1, NM_001406777.1 and 1 more transcripts); c.994G>A, p.Asp332Asn (NM_001406779.1, NM_001406780.1, NM_001406781.1 and 1 more transcripts); c.586G>A, p.Asp196Asn (NM_001406791.1); and 8 more; short protein forms D631N, D377N, D332N, D389N, D499N, D301N, D289N, D485N.
Identifiers: ClinVar variation 24913 (VCV000024913.27), dbSNP rs377767406, ClinGen allele CA008190.
Genomic context (GRCh38, chr10:43,114,491, plus strand): 5'-GGTGCCGAGCCTCTGGCGGTGCCAAGCCTCACACCACCCCCACCCACAGATCCACTGTGC[G>A]ACGAGCTGTGCCGCACGGTGATCGCAGCCGCTGTCCTCTTCTCCTTCATCGTCTCGGTGC-3'
Protein context (NP_066124.1, residues 621-641): EPEDIQDPLC[Asp631Asn]ELCRTVIAAA